The following is an entry in ClinVar:

NM_001379200.1(TBX1):c.1103C>A (p.Ala368Glu)

Gene: TBX1 (T-box transcription factor 1; plus strand). Cytogenetic location: 22q11.21.
Variant type: single nucleotide variant.
Coding change: c.1103C>A on transcript NM_001379200.1 (MANE Select); coding-DNA position 1103, C replaced by A.
Protein change: p.Ala368Glu; replaces alanine 368 with glutamic acid.
Molecular consequence: missense variant. On other transcripts: intron variant (2).
Genome position (GRCh38, 1-based): chr22:19,766,455, C>A. VCF-style: chr22-19766455-C-A. GRCh37 (hg19) VCF-style: chr22-19753978-C-A.
Other names: c.1076C>A, p.Ala359Glu (NM_080647.1); c.1009+453C>A (NM_005992.1, NM_080646.2); short protein forms A359E, A368E.
Identifiers: ClinVar variation 641093 (VCV000641093.13), dbSNP rs1157536437, ClinGen allele CA410684115.

ClinVar aggregate classification (germline): Uncertain significance. Review status: criteria provided, multiple submitters, no conflicts (2 of 4 stars). 3 submissions from 3 submitters: Uncertain significance (3). Last evaluated 2025-10-19.

Conditions:
Cardiovascular phenotype. Identifiers: MedGen CN230736.
DiGeorge syndrome. Also called: Catch22; THIRD AND FOURTH PHARYNGEAL POUCH SYNDROME. Identifiers: Orphanet 567, MedGen C0012236, MONDO:0008564, OMIM 188400.

Allele frequency attached by ClinVar (database versions not stated): gnomAD 0.00001.
gnomAD v4.1: 2 of 1,327,922 alleles (0.00015%); highest among the groups gnomAD compares: African/African-American, 0.0015%; no homozygotes.

Submissions (3):

Labcorp Genetics (formerly Invitae), Labcorp
Classification: Uncertain significance for DiGeorge syndrome. Last evaluated: 2025-10-19. Review status: criteria provided, single submitter. Criteria: Invitae Variant Classification Sherloc (09022015). Collection method: clinical testing. Allele origin: germline.
Comment: This sequence change replaces alanine, which is neutral and non-polar, with glutamic acid, which is acidic and polar, at codon 359 of the TBX1 protein (p.Ala359Glu). The frequency data for this variant in the population databases is considered unreliable, as metrics indicate poor data quality at this position in the gnomAD database. This variant has not been reported in the literature in individuals affected with TBX1-related conditions. ClinVar contains an entry for this variant (Variation ID: 641093). An algorithm developed to predict the effect of missense changes on protein structure and function (PolyPhen-2) suggests that this variant is likely to be tolerated. In summary, the available evidence is currently insufficient to determine the role of this variant in disease. Therefore, it has been classified as a Variant of Uncertain Significance.

Ambry Genetics
Classification: Uncertain significance for Cardiovascular phenotype. Last evaluated: 2025-05-30. Review status: criteria provided, single submitter. Criteria: Ambry Variant Classification Scheme 2023. Collection method: clinical testing. Allele origin: germline.
Comment: The p.A359E variant (also known as c.1076C>A), located in coding exon 8 of the TBX1 gene, results from a C to A substitution at nucleotide position 1076. The alanine at codon 359 is replaced by glutamic acid, an amino acid with dissimilar properties. This amino acid position is conserved. In addition, this alteration is predicted to be tolerated by in silico analysis. Since supporting evidence is limited at this time, the clinical significance of this alteration remains unclear.

Blueprint Genetics
Classification: Uncertain significance. Last evaluated: 2022-12-21. Review status: criteria provided, single submitter. Criteria: ACMG Guidelines, 2015. Collection method: clinical testing. Allele origin: germline.